The following is an entry in ClinVar:

ClinVar aggregate classification (germline): Benign/Likely benign. Review status: criteria provided, multiple submitters, no conflicts (2 of 4 stars). 3 submissions from 3 submitters: Benign (1); Likely benign (2). Last evaluated 2025-10-23.

Conditions:
Hereditary cancer-predisposing syndrome. Also called: Hereditary Cancer Syndrome; Hereditary neoplastic syndrome; Neoplastic Syndromes, Hereditary; Tumor predisposition. Identifiers: Orphanet 140162, MedGen C0027672, MeSH D009386, MONDO:0015356.
Familial adenomatous polyposis 1 (FAP1). Also called: POLYPOSIS, ADENOMATOUS INTESTINAL; FAMILIAL ADENOMATOUS POLYPOSIS 1, ATTENUATED. Identifiers: MedGen C2713442, MONDO:0021056, OMIM 175100. Disease mechanism: loss of function.

Allele frequency attached by ClinVar (database versions not stated): gnomAD exomes below 0.00001; gnomAD 0.00001.
gnomAD v4.1: 2 of 1,613,996 alleles (0.00012%); highest among the groups gnomAD compares: Non-Finnish European, 0.00017%; no homozygotes.

Submissions (3):

Labcorp Genetics (formerly Invitae), Labcorp
Classification: Likely benign for Familial adenomatous polyposis 1. Last evaluated: 2025-10-23. Review status: criteria provided, single submitter. Criteria: Invitae Variant Classification Sherloc (09022015). Collection method: clinical testing. Allele origin: germline.

Myriad Genetics, Inc.
Classification: Benign for Familial adenomatous polyposis 1. Last evaluated: 2024-03-11. Review status: criteria provided, single submitter. Criteria: Myriad Autosomal Dominant, Autosomal Recessive and X-Linked Classification Criteria (2023). Collection method: clinical testing. Allele origin: unknown.
Comment: This variant is considered benign. This variant is a silent/synonymous amino acid change and it is not expected to impact splicing.

Ambry Genetics
Classification: Likely benign for Hereditary cancer-predisposing syndrome. Last evaluated: 2023-10-01. Review status: criteria provided, single submitter. Criteria: Ambry Variant Classification Scheme 2023. Collection method: clinical testing. Allele origin: germline.

NM_000038.6(APC):c.2268A>G (p.Lys756=)

Gene: APC (APC regulator of Wnt signaling pathway; plus strand). Cytogenetic location: 5q22.2.
Variant type: single nucleotide variant.
Coding change: c.2268A>G on transcript NM_000038.6 (MANE Select); coding-DNA position 2268, A replaced by G.
Protein change: p.Lys756=; no amino-acid change (lysine 756 retained).
Molecular consequence: synonymous variant. On other transcripts: non-coding transcript variant (2).
Genome position (GRCh38, 1-based): chr5:112,837,862, A>G. VCF-style: chr5-112837862-A-G. GRCh37 (hg19) VCF-style: chr5-112173559-A-G.
Other names: c.2268A>G, p.Lys756= (NM_001127510.3, NM_001354895.2, NM_001407450.1); c.2214A>G, p.Lys738= (NM_001127511.3); c.2322A>G, p.Lys774= (NM_001354896.2, NM_001407447.1, NM_001407448.1 and 1 more transcripts); c.2298A>G, p.Lys766= (NM_001354897.2); c.2193A>G, p.Lys731= (NM_001354898.2); c.2184A>G, p.Lys728= (NM_001354899.2); c.2145A>G, p.Lys715= (NM_001354900.2); c.2091A>G, p.Lys697= (NM_001354901.2, NM_001407453.1); and 12 more.
Identifiers: ClinVar variation 1926558 (VCV001926558.6), dbSNP rs1306997303, ClinGen allele CA445963302.